The following is an entry in ClinVar:

NM_019844.4(SLCO1B3):c.1065T>G (p.Ser355=)

Genes: SLCO1B3 (solute carrier organic anion transporter family member 1B3; plus strand), SLCO1B3-SLCO1B7 (SLCO1B3-SLCO1B7 readthrough; plus strand). Cytogenetic location: 12p12.2.
Variant type: single nucleotide variant.
Coding change: c.1065T>G on transcript NM_019844.4 (MANE Select); coding-DNA position 1065, T replaced by G.
Protein change: p.Ser355=; no amino-acid change (serine 355 retained).
Molecular consequence: synonymous variant.
Genome position (GRCh38, 1-based): chr12:20,877,866, T>G. VCF-style: chr12-20877866-T-G. GRCh37 (hg19) VCF-style: chr12-21030800-T-G.
Other names: c.1065T>G, p.Ser355= (NM_001371097.1); c.981T>G, p.Ser327= (NM_001349920.2).
Identifiers: ClinVar variation 3345603 (VCV003345603.1).
Genomic context (GRCh38, chr12:20,877,866, plus strand): 5'-TCCCCTGTATGTTATATTTCTGCTTTTGACATTGTTACAAGTAAGCAGCTTTATTGGTTC[T>G]TTTACTTACGTCTTTAAATATATGGAGCAACAGTACGGTCAGTCTGCATCTCATGCTAAC-3'
Protein context (NP_062818.1, residues 345-365): TLLQVSSFIG[Ser355=]FTYVFKYMEQ

ClinVar aggregate classification (germline): Likely benign (0 of 4 stars; one submission).

Conditions:
SLCO1B3-related disorder. Also called: SLCO1B3-related condition.

Submission:

PreventionGenetics, part of Exact Sciences
Classification: Likely benign for SLCO1B3-related condition. Last evaluated: 2024-06-23. Review status: no assertion criteria provided. Collection method: clinical testing. Allele origin: germline.
Comment: This variant is classified as likely benign based on ACMG/AMP sequence variant interpretation guidelines (Richards et al. 2015 PMID: 25741868, with internal and published modifications).